The following is an entry in ClinVar:

ClinVar aggregate classification (germline): Pathogenic. Review status: criteria provided, multiple submitters, no conflicts (2 of 4 stars). 4 submissions from 4 submitters: Pathogenic (3). 1 of the submissions does not count toward it. Last evaluated 2025-03-03.

Conditions:
Hereditary cancer-predisposing syndrome. Also called: Neoplastic Syndromes, Hereditary; Tumor predisposition; Hereditary neoplastic syndrome; Hereditary Cancer Syndrome. Identifiers: Orphanet 140162, MedGen C0027672, MeSH D009386, MONDO:0015356.
Tuberous sclerosis syndrome (TSC). Also called: Tuberous sclerosis; Tuberous Sclerosis Complex. Identifiers: Orphanet 805, MedGen C0041341, MONDO:0001734.
Tuberous sclerosis 1 (TSC1). Identifiers: Orphanet 805, MedGen C1854465, MONDO:0008612, OMIM 191100.

Submissions (4):

GeneDx
Classification: Pathogenic. Last evaluated: 2025-03-03. Review status: criteria provided, single submitter. Criteria: GeneDx Variant Classification Process June 2021. Collection method: clinical testing. Allele origin: germline. Affected: yes.
Comment: Nonsense variant predicted to result in protein truncation or nonsense mediated decay in a gene for which loss of function is a known mechanism of disease; Not observed at significant frequency in large population cohorts (gnomAD); This variant is associated with the following publications: (PMID: 15798777)

Ambry Genetics
Classification: Pathogenic for Hereditary cancer-predisposing syndrome. Last evaluated: 2023-10-31. Review status: criteria provided, single submitter. Criteria: Ambry Variant Classification Scheme 2023. Collection method: clinical testing. Allele origin: germline.
Comment: The p.L87* pathogenic mutation (also known as c.260T>G), located in coding exon 3 of the TSC1 gene, results from a T to G substitution at nucleotide position 260. This changes the amino acid from a leucine to a stop codon within coding exon 3. This alteration has been observed in at least one individual with a personal and/or family history that is consistent with TSC1-related disease (communication with external laboratory). In addition, this variant was reported in at least one individual suspected to be affected with Tuberous sclerosis complex (LOVD deposit: Sancak O et al. Eur J Hum Genet. 2005 Jun;13(6):731-41). This variant is considered to be rare based on population cohorts in the Genome Aggregation Database (gnomAD). This alteration is expected to result in loss of function by premature protein truncation or nonsense-mediated mRNA decay. As such, this alteration is interpreted as a disease-causing mutation.

Labcorp Genetics (formerly Invitae), Labcorp
Classification: Pathogenic for Tuberous sclerosis 1. Last evaluated: 2023-10-17. Review status: criteria provided, single submitter. Criteria: Invitae Variant Classification Sherloc (09022015). Collection method: clinical testing. Allele origin: germline.
Comment: This sequence change creates a premature translational stop signal (p.Leu87*) in the TSC1 gene. It is expected to result in an absent or disrupted protein product. Loss-of-function variants in TSC1 are known to be pathogenic (PMID: 10227394, 17304050). This variant is not present in population databases (gnomAD no frequency). This variant has not been reported in the literature in individuals affected with TSC1-related conditions. ClinVar contains an entry for this variant (Variation ID: 64703). For these reasons, this variant has been classified as Pathogenic.

Tuberous sclerosis database (TSC1)
No classification provided. Condition: TSC. Review status: no classification provided. Criteria: Tuberous Sclerosis Database Assertion Criteria 2015. Collection method: curation. Allele origin: germline. Affected: yes. Not counted in ClinVar's aggregate classification.

Literature cited by the submitters: PubMed 15798777 (cited by Ambry Genetics); PubMed 10227394 (cited by Labcorp Genetics (formerly Invitae), Labcorp); PubMed 17304050 (cited by Labcorp Genetics (formerly Invitae), Labcorp).

NM_000368.5(TSC1):c.260T>G (p.Leu87Ter)

Gene: TSC1 (TSC complex subunit 1; minus strand). Cytogenetic location: 9q34.13.
Variant type: single nucleotide variant.
Coding change: c.260T>G on transcript NM_000368.5 (MANE Select); coding-DNA position 260, T replaced by G.
Protein change: p.Leu87Ter; replaces leucine 87 with a stop codon.
Molecular consequence: nonsense. On other transcripts: 5 prime UTR variant (1), intron variant (1).
Genome position (GRCh38, 1-based): chr9:132,925,690, A>C on the plus strand (T>G on the coding strand, the complement: TSC1 is on the minus strand). VCF-style: chr9-132925690-A-C. GRCh37 (hg19) VCF-style: chr9-135801077-A-C.
Other names: c.260T>G, p.Leu87Ter (NM_001162426.2); c.-104T>G (NM_001362177.2); c.210+1511T>G (NM_001162427.2); short protein forms L87*.
Identifiers: ClinVar variation 64703 (VCV000064703.8), dbSNP rs397514776, ClinGen allele CA006706.